The following is an entry in ClinVar:

NM_020442.6(VARS2):c.733G>A (p.Glu245Lys)

Gene: VARS2 (valyl-tRNA synthetase 2, mitochondrial; plus strand). Cytogenetic location: 6p21.33.
Variant type: single nucleotide variant.
Coding change: c.733G>A on transcript NM_020442.6 (MANE Select); coding-DNA position 733, G replaced by A.
Protein change: p.Glu245Lys; replaces glutamic acid 245 with lysine.
Molecular consequence: missense variant.
Genome position (GRCh38, 1-based): chr6:30,916,939, G>A. VCF-style: chr6-30916939-G-A. GRCh37 (hg19) VCF-style: chr6-30884716-G-A.
Other names: c.313G>A, p.Glu105Lys (NM_001167733.3); c.823G>A, p.Glu275Lys (NM_001167734.2); short protein forms E275K, E105K, E245K.
Identifiers: ClinVar variation 2043025 (VCV002043025.4), dbSNP rs1794213633, ClinGen allele CA363169186.

ClinVar aggregate classification (germline): Uncertain significance (1 of 4 stars; one submission).

Allele frequency attached by ClinVar (database versions not stated): gnomAD exomes below 0.00001.
gnomAD v4.1: 1 of 1,614,236 alleles (0.000062%); highest among the groups gnomAD compares: Non-Finnish European, 0.000085%; no homozygotes.

Submission:

Labcorp Genetics (formerly Invitae), Labcorp
Classification: Uncertain significance. Last evaluated: 2021-12-29. Review status: criteria provided, single submitter. Criteria: Invitae Variant Classification Sherloc (09022015). Collection method: clinical testing. Allele origin: germline.
Comment: In summary, the available evidence is currently insufficient to determine the role of this variant in disease. Therefore, it has been classified as a Variant of Uncertain Significance. Algorithms developed to predict the effect of missense changes on protein structure and function (SIFT, PolyPhen-2, Align-GVGD) all suggest that this variant is likely to be tolerated. This variant has not been reported in the literature in individuals affected with VARS2-related conditions. This variant is not present in population databases (gnomAD no frequency). This sequence change replaces glutamic acid, which is acidic and polar, with lysine, which is basic and polar, at codon 275 of the VARS2 protein (p.Glu275Lys).